The following is an entry in ClinVar:

ClinVar aggregate classification (germline): Uncertain significance (1 of 4 stars; one submission).

Conditions:
Adams-Oliver syndrome 5 (AOS5). Identifiers: Orphanet 974, MedGen C4014970, MONDO:0014459, OMIM 616028.

Submission:

Helix
Classification: Uncertain significance for Adams-Oliver syndrome 5. Last evaluated: 2026-05-19. Review status: criteria provided, single submitter. Criteria: ACMG Guidelines, 2015. Collection method: clinical testing. Allele origin: germline. Inheritance: Autosomal dominant inheritance.
Comment: This variant (NM_017617.5:c.4649A>G p.Asn1550Ser) results in the substitution of asparagine with serine at codon 1550 in the NOTCH1 protein. It is a rare variant that is absent from the large gnomAD population database (v4.1). To our knowledge, this variant has not been reported in individuals with NOTCH1-related conditions in the published literature. In silico prediction from REVEL (PMID: 27666373) suggests that this variant may be deleterious. In conclusion, since the available evidence is limited, the clinical significance of this variant is unclear at this time. Therefore, it is classified as a Variant of Uncertain Significance.

NM_017617.5(NOTCH1):c.4649A>G (p.Asn1550Ser)

Gene: NOTCH1 (notch receptor 1; minus strand). Cytogenetic location: 9q34.3.
Variant type: single nucleotide variant.
Coding change: c.4649A>G on transcript NM_017617.5 (MANE Select); coding-DNA position 4649, A replaced by G.
Protein change: p.Asn1550Ser; replaces asparagine 1550 with serine.
Molecular consequence: missense variant.
Genome position (GRCh38, 1-based): chr9:136,505,042, T>C on the plus strand (A>G on the coding strand, the complement: NOTCH1 is on the minus strand). VCF-style: chr9-136505042-T-C. GRCh37 (hg19) VCF-style: chr9-139399494-T-C.
Other names: short protein forms N1550S.
Identifiers: ClinVar variation 4890826 (VCV004890826.1).
Genomic context (GRCh38, chr9:136,505,042, plus strand): 5'-GCCAGCCTCTCGGGTACATGCTCCGCACAGTCCAGCCCGTCCCACTCGCACTCCGCGCTG[T>C]TGCAGCCCTGGTCGCAGTGCCCGTCGCTGAAGTGGTCCTTGCAGTACTGGTCGTACAGGG-3'
Protein context (NP_060087.3, residues 1540-1560): FSDGHCDQGC[Asn1550Ser]SAECEWDGLD